The following is an entry in ClinVar:

NM_000252.3(MTM1):c.1340A>G (p.Gln447Arg)

Gene: MTM1 (myotubularin 1; plus strand). Cytogenetic location: Xq28.
Variant type: single nucleotide variant.
Coding change: c.1340A>G on transcript NM_000252.3 (MANE Select); coding-DNA position 1340, A replaced by G.
Protein change: p.Gln447Arg; replaces glutamine 447 with arginine.
Molecular consequence: missense variant.
Genome position (GRCh38, 1-based): chrX:150,659,743, A>G. VCF-style: chrX-150659743-A-G. GRCh37 (hg19) VCF-style: chrX-149828216-A-G.
Other names: c.1340A>G, p.Gln447Arg (NM_001376906.1, NM_001376908.1); c.1229A>G, p.Gln410Arg (NM_001376907.1); short protein forms Q410R, Q447R.
Identifiers: ClinVar variation 2689448 (VCV002689448.5), dbSNP rs2522443700, ClinGen allele CA415259482.

ClinVar aggregate classification (germline): Uncertain significance. Review status: criteria provided, multiple submitters, no conflicts (2 of 4 stars). 2 submissions from 2 submitters: Uncertain significance (2). Last evaluated 2024-01-03.

Conditions:
Severe X-linked myotubular myopathy (CNMX). Also called: X-linked centronuclear myopathy; MYOTUBULAR MYOPATHY 1; Myotubular myopathy, X-linked. Identifiers: Orphanet 596, MedGen C0410203, MONDO:0010683, OMIM 310400.

Submissions (2):

Labcorp Genetics (formerly Invitae), Labcorp
Classification: Uncertain significance for Severe X-linked myotubular myopathy. Last evaluated: 2024-01-03. Review status: criteria provided, single submitter. Criteria: Invitae Variant Classification Sherloc (09022015). Collection method: clinical testing. Allele origin: germline.
Comment: This sequence change replaces glutamine, which is neutral and polar, with arginine, which is basic and polar, at codon 447 of the MTM1 protein (p.Gln447Arg). This variant is not present in population databases (gnomAD no frequency). This variant has not been reported in the literature in individuals affected with MTM1-related conditions. Advanced modeling of protein sequence and biophysical properties (such as structural, functional, and spatial information, amino acid conservation, physicochemical variation, residue mobility, and thermodynamic stability) performed at Invitae indicates that this missense variant is expected to disrupt MTM1 protein function with a positive predictive value of 95%. In summary, the available evidence is currently insufficient to determine the role of this variant in disease. Therefore, it has been classified as a Variant of Uncertain Significance.

Revvity Omics, Revvity
Classification: Uncertain significance. Last evaluated: 2019-12-03. Review status: criteria provided, single submitter. Criteria: ACMG Guidelines, 2015. Collection method: clinical testing. Allele origin: germline.